The following is an entry in ClinVar:

ClinVar aggregate classification (germline): Likely pathogenic (1 of 4 stars; one submission).

Conditions:
Cardiovascular phenotype. Identifiers: MedGen CN230736.

Submission:

Ambry Genetics
Classification: Likely pathogenic for Cardiovascular phenotype. Last evaluated: 2024-12-09. Review status: criteria provided, single submitter. Criteria: Ambry Variant Classification Scheme 2023. Collection method: clinical testing. Allele origin: germline.
Comment: The p.C20644* variant (also known as c.61932T>A), located in coding exon 160 of the TTN gene, results from a T to A substitution at nucleotide position 61932. This changes the amino acid from a cysteine to a stop codon within coding exon 160. This exon is located in the A-band region of the N2-B isoform of the titin protein and is constitutively expressed in TTN transcripts (percent spliced in or PSI 100%). This alteration is expected to result in loss of function by premature protein truncation or nonsense-mediated mRNA decay. While truncating variants in TTN are present in 1-3% of the general population, truncating variants in the A-band are the most common cause of dilated cardiomyopathy (DCM) (Herman DS et al. N. Engl. J. Med., 2012 Feb;366:619-28; Roberts AM et al. Sci Transl Med, 2015 Jan;7:270ra6). TTN truncating variants encoded in constitutive exons (PSI >90%) have been found to be significantly associated with DCM regardless of their position in titin (Schafer S et al. Nat. Genet., 2017 01;49:46-53). This variant is considered to be rare based on population cohorts in the Genome Aggregation Database (gnomAD). Based on the majority of available evidence to date, this variant is likely to be pathogenic.

NM_001267550.2(TTN):c.89127T>A (p.Cys29709Ter)

Genes: TTN (titin; minus strand), TTN-AS1 (TTN antisense RNA 1; plus strand). Cytogenetic location: 2q31.2.
Variant type: single nucleotide variant.
Coding change: c.89127T>A on transcript NM_001267550.2 (MANE Select); coding-DNA position 89127, T replaced by A.
Protein change: p.Cys29709Ter; replaces cysteine 29709 with a stop codon.
Molecular consequence: nonsense.
Genome position (GRCh38, 1-based): chr2:178,553,984, A>T on the plus strand (T>A on the coding strand, the complement: TTN is on the minus strand). VCF-style: chr2-178553984-A-T. GRCh37 (hg19) VCF-style: chr2-179418711-A-T.
Other names: c.84204T>A, p.Cys28068Ter (NM_001256850.1); c.61932T>A, p.Cys20644Ter (NM_003319.4); c.81423T>A, p.Cys27141Ter (NM_133378.4); c.62307T>A, p.Cys20769Ter (NM_133432.3); c.62508T>A, p.Cys20836Ter (NM_133437.4); short protein forms C28068*, C20769*, C20644*, C20836*, C27141*, C29709*.
Identifiers: ClinVar variation 3464258 (VCV003464258.1).